The following is an entry in ClinVar:

ClinVar aggregate classification (germline): Uncertain significance (1 of 4 stars; one submission).

Conditions:
Leukocyte adhesion deficiency 3. Also called: Leukocyte adhesion deficiency, type III; INTEGRIN ACTIVATION DEFICIENCY DISEASE; LEUKOCYTE ADHESION DEFICIENCY 1 VARIANT. Identifiers: Orphanet 2968, Orphanet 99844, MedGen C2748536, MONDO:0013016, OMIM 612840.

Allele frequency attached by ClinVar (database versions not stated): TOPMed below 0.00001.

Submission:

Labcorp Genetics (formerly Invitae), Labcorp
Classification: Uncertain significance for Leukocyte adhesion deficiency 3. Last evaluated: 2019-01-15. Review status: criteria provided, single submitter. Criteria: Invitae Variant Classification Sherloc (09022015). Collection method: clinical testing. Allele origin: germline.
Comment: This variant is not present in population databases (ExAC no frequency). In summary, the available evidence is currently insufficient to determine the role of this variant in disease. Therefore, it has been classified as a Variant of Uncertain Significance. Algorithms developed to predict the effect of missense changes on protein structure and function (SIFT, PolyPhen-2, Align-GVGD) all suggest that this variant is likely to be tolerated, but these predictions have not been confirmed by published functional studies and their clinical significance is uncertain. This variant has not been reported in the literature in individuals with FERMT3-related conditions. This sequence change replaces leucine with phenylalanine at codon 502 of the FERMT3 protein (p.Leu502Phe). The leucine residue is moderately conserved and there is a small physicochemical difference between leucine and phenylalanine.

NM_031471.6(FERMT3):c.1504C>T (p.Leu502Phe)

Gene: FERMT3 (FERM domain containing kindlin 3; plus strand). Cytogenetic location: 11q13.1.
Variant type: single nucleotide variant.
Coding change: c.1504C>T on transcript NM_031471.6 (MANE Select); coding-DNA position 1504, C replaced by T.
Protein change: p.Leu502Phe; replaces leucine 502 with phenylalanine.
Molecular consequence: missense variant.
Genome position (GRCh38, 1-based): chr11:64,220,628, C>T. VCF-style: chr11-64220628-C-T. GRCh37 (hg19) VCF-style: chr11-63988100-C-T.
Other names: c.1504C>T, p.Leu502Phe (NM_001382361.1, NM_001382448.1); c.1516C>T, p.Leu506Phe (NM_001382362.1, NM_178443.3); c.964C>T, p.Leu322Phe (NM_001382363.1); c.976C>T, p.Leu326Phe (NM_001382364.1); short protein forms L506F, L502F, L322F, L326F.
Identifiers: ClinVar variation 855380 (VCV000855380.9), dbSNP rs773617643, ClinGen allele CA223846048.